The following is an entry in ClinVar:

NM_000321.3(RB1):c.2521-9A>C

Gene: RB1 (RB transcriptional corepressor 1; plus strand). Cytogenetic location: 13q14.2.
Variant type: single nucleotide variant.
Coding change: c.2521-9A>C on transcript NM_000321.3 (MANE Select); 9 bases into the intron before coding-DNA position 2521, A replaced by C.
Molecular consequence: intron variant.
Genome position (GRCh38, 1-based): chr13:48,476,692, A>C. VCF-style: chr13-48476692-A-C. GRCh37 (hg19) VCF-style: chr13-49050828-A-C.
Identifiers: ClinVar variation 389862 (VCV000389862.14), dbSNP rs949077145, ClinGen allele CA16606725.

ClinVar aggregate classification (germline): Likely benign. Review status: criteria provided, multiple submitters, no conflicts (2 of 4 stars). 6 submissions from 6 submitters: Likely benign (6). Last evaluated 2026-06-22.

Conditions:
Retinoblastoma (RB1). Also called: RETINOBLASTOMA, SOMATIC. Identifiers: Orphanet 790, MedGen C0035335, MeSH D012175, MONDO:0008380, OMIM 180200, HP:0009919. Disease mechanism: loss of function. Inheritance: Both sporadic and heritable forms are tested..

Allele frequency attached by ClinVar (database versions not stated): gnomAD 0.00005 and 0.00003; gnomAD exomes 0.00002; TOPMed 0.00004.
gnomAD v4.1: 25 of 1,610,860 alleles (0.0016%); highest among the groups gnomAD compares: East Asian, 0.0022%; no homozygotes.

Submissions (6):

Myriad Genetics, Inc.
Classification: Likely benign for Retinoblastoma. Last evaluated: 2026-06-22. Review status: criteria provided, single submitter. Criteria: Myriad Autosomal Dominant, Autosomal Recessive and X-Linked Classification Criteria (2023). Collection method: clinical testing. Allele origin: unknown.
Comment: This variant is considered likely benign. This variant is intronic and is not expected to impact mRNA splicing.

Labcorp Genetics (formerly Invitae), Labcorp
Classification: Likely benign for Retinoblastoma. Last evaluated: 2025-12-30. Review status: criteria provided, single submitter. Criteria: Invitae Variant Classification Sherloc (09022015). Collection method: clinical testing. Allele origin: germline.

All of Us Research Program, National Institutes of Health
Classification: Likely benign for Retinoblastoma. Last evaluated: 2023-11-20. Review status: criteria provided, single submitter. Criteria: ACMG Guidelines, 2015. Collection method: clinical testing. Allele origin: germline. Inheritance: Autosomal dominant inheritance. Observed: 4 variant alleles, 4 heterozygotes.
Comment: This study involves interpretation of variants in research participants for the purpose of population health screening. Participant phenotype was not available at the time of variant classification. Additional details can be found in publication PMID: 35346344, PMCID: PMC8962531

Color Diagnostics, LLC DBA Color Health
Classification: Likely benign for Retinoblastoma. Last evaluated: 2022-05-04. Review status: criteria provided, single submitter. Criteria: ACMG Guidelines, 2015. Collection method: clinical testing. Allele origin: germline.

Blueprint Genetics
Classification: Likely benign. Last evaluated: 2022-04-23. Review status: criteria provided, single submitter. Criteria: ACMG Guidelines, 2015. Collection method: clinical testing. Allele origin: germline.

GeneDx
Classification: Likely benign. Last evaluated: 2016-10-05. Review status: criteria provided, single submitter. Criteria: GeneDx Variant Classification (06012015). Collection method: clinical testing. Allele origin: germline. Affected: yes.
Comment: This variant is considered likely benign or benign based on one or more of the following criteria: it is a conservative change, it occurs at a poorly conserved position in the protein, it is predicted to be benign by multiple in silico algorithms, and/or has population frequency not consistent with disease.